The following is an entry in ClinVar:

ClinVar aggregate classification (germline): Uncertain significance. Review status: criteria provided, multiple submitters, no conflicts (2 of 4 stars). 4 submissions from 4 submitters: Uncertain significance (3). 1 of the submissions does not count toward it. Last evaluated 2025-09-29.

Conditions:
Tuberous sclerosis syndrome (TSC). Also called: Tuberous Sclerosis Complex; Tuberous sclerosis. Identifiers: Orphanet 805, MedGen C0041341, MONDO:0001734.
Hereditary cancer-predisposing syndrome. Also called: Neoplastic Syndromes, Hereditary; Tumor predisposition; Hereditary Cancer Syndrome; Hereditary neoplastic syndrome. Identifiers: Orphanet 140162, MedGen C0027672, MeSH D009386, MONDO:0015356.
Tuberous sclerosis 2 (TSC2). Identifiers: Orphanet 805, MedGen C1860707, MONDO:0013199, OMIM 613254.

Submissions (4):

Labcorp Genetics (formerly Invitae), Labcorp
Classification: Uncertain significance for Tuberous sclerosis 2. Last evaluated: 2025-09-29. Review status: criteria provided, single submitter. Criteria: Invitae Variant Classification Sherloc (09022015). Collection method: clinical testing. Allele origin: germline.
Comment: This sequence change replaces alanine, which is neutral and non-polar, with valine, which is neutral and non-polar, at codon 536 of the TSC2 protein (p.Ala536Val). This variant is not present in population databases (gnomAD no frequency). This variant has not been reported in the literature in individuals affected with TSC2-related conditions. ClinVar contains an entry for this variant (Variation ID: 49165). Invitae Evidence Modeling of protein sequence and biophysical properties (such as structural, functional, and spatial information, amino acid conservation, physicochemical variation, residue mobility, and thermodynamic stability) indicates that this missense variant is not expected to disrupt TSC2 protein function with a negative predictive value of 95%. In summary, the available evidence is currently insufficient to determine the role of this variant in disease. Therefore, it has been classified as a Variant of Uncertain Significance.

Ambry Genetics
Classification: Uncertain significance for Hereditary cancer-predisposing syndrome. Last evaluated: 2025-06-26. Review status: criteria provided, single submitter. Criteria: Ambry Variant Classification Scheme 2023. Collection method: clinical testing. Allele origin: germline.
Comment: The p.A536V variant (also known as c.1607C>T), located in coding exon 15 of the TSC2 gene, results from a C to T substitution at nucleotide position 1607. The alanine at codon 536 is replaced by valine, an amino acid with similar properties. This alteration has been identified in 0 of 42 cases and 1 of 100 controls in one tuberous sclerosis study (Gilbert JR et al. Neurogenetics, 1998 Aug;1:267-72). It was later identified in an individual with tuberous sclerosis but described as benign (Au KS et al. Genet. Med., 2007 Feb;9:88-100). This amino acid position is not well conserved in available vertebrate species. In addition, the in silico prediction for this alteration is inconclusive. Based on the available evidence, the clinical significance of this variant remains unclear.

Color Diagnostics, LLC DBA Color Health
Classification: Uncertain significance for Tuberous sclerosis syndrome. Last evaluated: 2025-06-25. Review status: criteria provided, single submitter. Criteria: ACMG Guidelines, 2015. Collection method: clinical testing. Allele origin: germline.
Comment: This missense variant replaces alanine with valine at codon 536 of the TSC2 protein. Computational prediction suggests that this variant may not impact protein structure and function. To our knowledge, functional studies have not been reported for this variant. This variant has not been reported in individuals affected with TSC2-related disorders in the literature. This variant has not been identified in the general population by the Genome Aggregation Database (gnomAD). The available evidence is insufficient to determine the role of this variant in disease conclusively. Therefore, this variant is classified as a Variant of Uncertain Significance.

Tuberous sclerosis database (TSC2)
No classification provided. Condition: TSC. Review status: no classification provided. Criteria: Tuberous Sclerosis Database Assertion Criteria 2015. Collection method: curation. Allele origin: germline. Affected: yes and no. Not counted in ClinVar's aggregate classification.

Literature cited by the submitters: PubMed 10732801 (cited by Ambry Genetics); PubMed 17304050 (cited by Ambry Genetics).

NM_000548.5(TSC2):c.1607C>T (p.Ala536Val)

Gene: TSC2 (TSC complex subunit 2; plus strand). Cytogenetic location: 16p13.3.
Variant type: single nucleotide variant.
Coding change: c.1607C>T on transcript NM_000548.5 (MANE Select); coding-DNA position 1607, C replaced by T.
Protein change: p.Ala536Val; replaces alanine 536 with valine.
Molecular consequence: missense variant.
Genome position (GRCh38, 1-based): chr16:2,065,526, C>T. VCF-style: chr16-2065526-C-T. GRCh37 (hg19) VCF-style: chr16-2115527-C-T.
Other names: c.1607C>T, p.Ala536Val (NM_001077183.3, NM_001114382.3, NM_001363528.2 and 3 more transcripts); c.1496C>T, p.Ala499Val (NM_001318827.2); c.1460C>T, p.Ala487Val (NM_001318829.2); c.1007C>T, p.Ala336Val (NM_001318831.2); c.1640C>T, p.Ala547Val (NM_001318832.2); short protein forms A536V, A336V, A487V, A499V, A547V.
Identifiers: ClinVar variation 49165 (VCV000049165.9), dbSNP rs45517187, ClinGen allele CA015294.